The following is an entry in ClinVar:

ClinVar aggregate classification (germline): Uncertain significance (1 of 4 stars; one submission).

gnomAD v4.1: 24 of 1,613,770 alleles (0.0015%); highest among the groups gnomAD compares: Middle Eastern, 0.016%; no homozygotes.

Submission:

Labcorp Genetics (formerly Invitae), Labcorp
Classification: Uncertain significance. Last evaluated: 2026-01-14. Review status: criteria provided, single submitter. Criteria: Invitae Variant Classification Sherloc (09022015). Collection method: clinical testing. Allele origin: germline.
Comment: This sequence change replaces aspartic acid, which is acidic and polar, with asparagine, which is neutral and polar, at codon 347 of the TRAP1 protein (p.Asp347Asn). This variant is present in population databases (rs754378125, gnomAD 0.006%). This variant has not been reported in the literature in individuals affected with TRAP1-related conditions. Invitae Evidence Modeling of protein sequence and biophysical properties (such as structural, functional, and spatial information, amino acid conservation, physicochemical variation, residue mobility, and thermodynamic stability) indicates that this missense variant is not expected to disrupt TRAP1 protein function with a negative predictive value of 80%. In summary, the available evidence is currently insufficient to determine the role of this variant in disease. Therefore, it has been classified as a Variant of Uncertain Significance.

NM_016292.3(TRAP1):c.1039G>A (p.Asp347Asn)

Gene: TRAP1 (TNF receptor associated protein 1; minus strand). Cytogenetic location: 16p13.3.
Variant type: single nucleotide variant.
Coding change: c.1039G>A on transcript NM_016292.3 (MANE Select); coding-DNA position 1039, G replaced by A.
Protein change: p.Asp347Asn; replaces aspartic acid 347 with asparagine.
Molecular consequence: missense variant.
Genome position (GRCh38, 1-based): chr16:3,674,344, C>T on the plus strand (G>A on the coding strand, the complement: TRAP1 is on the minus strand). VCF-style: chr16-3674344-C-T. GRCh37 (hg19) VCF-style: chr16-3724345-C-T.
Other names: c.880G>A, p.Asp294Asn (NM_001272049.2); short protein forms D294N, D347N.
Identifiers: ClinVar variation 4747743 (VCV004747743.1).